The following is an entry in ClinVar:

NM_006914.4(RORB):c.938C>A (p.Pro313Gln)

Gene: RORB (RAR related orphan receptor B; plus strand). Cytogenetic location: 9q21.13.
Variant type: single nucleotide variant.
Coding change: c.938C>A on transcript NM_006914.4 (MANE Select); coding-DNA position 938, C replaced by A.
Protein change: p.Pro313Gln; replaces proline 313 with glutamine.
Molecular consequence: missense variant.
Genome position (GRCh38, 1-based): chr9:74,665,533, C>A. VCF-style: chr9-74665533-C-A. GRCh37 (hg19) VCF-style: chr9-77280449-C-A.
Other names: c.971C>A, p.Pro324Gln (NM_001365023.1); short protein forms P313Q, P324Q.
Identifiers: ClinVar variation 1526160 (VCV001526160.1), dbSNP rs2118526020, ClinGen allele CA373771069.

ClinVar aggregate classification (germline): Uncertain significance (1 of 4 stars; one submission).

Conditions:
Epilepsy, idiopathic generalized, susceptibility to, 15 (EIG15). Identifiers: MedGen C5193050, MONDO:0032699, OMIM 618357.

Allele frequency attached by ClinVar (database versions not stated): gnomAD exomes below 0.00001.
gnomAD v4.1: 1 of 1,612,622 alleles (0.000062%); highest among the groups gnomAD compares: Non-Finnish European, 0.000085%; no homozygotes.

Submission:

3billion
Classification: Uncertain significance for Epilepsy, idiopathic generalized, susceptibility to, 15. Last evaluated: 2022-03-22. Review status: criteria provided, single submitter. Criteria: ACMG Guidelines, 2015. Collection method: clinical testing. Allele origin: germline. Affected: yes. Observed: 1 heterozygote.
Comment: The varaint is not observed in the gnomAD v2.1.1 dataset. In silico tool predictions suggest damaging effect of the variant on gene or gene product (REVEL: 0.725>=0.6). Therefore, this variant is classified as uncertain significance according to the recommendation of ACMG/AMP guideline.